The following is an entry in ClinVar:

NM_000435.3(NOTCH3):c.1385C>T (p.Thr462Ile)

Gene: NOTCH3 (notch receptor 3; minus strand). Cytogenetic location: 19p13.12.
Variant type: single nucleotide variant.
Coding change: c.1385C>T on transcript NM_000435.3 (MANE Select); coding-DNA position 1385, C replaced by T.
Protein change: p.Thr462Ile; replaces threonine 462 with isoleucine.
Molecular consequence: missense variant.
Genome position (GRCh38, 1-based): chr19:15,188,342, G>A on the plus strand (C>T on the coding strand, the complement: NOTCH3 is on the minus strand). VCF-style: chr19-15188342-G-A. GRCh37 (hg19) VCF-style: chr19-15299153-G-A.
Other names: short protein forms T462I.
Identifiers: ClinVar variation 3003818 (VCV003003818.3), dbSNP rs1312497797, ClinGen allele CA404527310.
Genomic context (GRCh38, chr19:15,188,342, plus strand): 5'-CCACCGTTGACACAGGGGCTACTCTGACACTCGTCAATGTCCACCTCGCAATAGGTTCCT[G>A]TGAAGCCTGGGGCAGGGAATAGGGCTTAGGAAAGCGGGGGCTACCCTATGGTGTGAACGG-3'
Protein context (NP_000426.2, residues 452-472): QFTCICMAGF[Thr462Ile]GTYCEVDIDE

ClinVar aggregate classification (germline): Uncertain significance (1 of 4 stars; one submission).

Allele frequency attached by ClinVar (database versions not stated): gnomAD 0.00001; TOPMed 0.00001.

Submission:

Labcorp Genetics (formerly Invitae), Labcorp
Classification: Uncertain significance. Last evaluated: 2025-01-24. Review status: criteria provided, single submitter. Criteria: Invitae Variant Classification Sherloc (09022015). Collection method: clinical testing. Allele origin: germline.
Comment: This sequence change replaces threonine, which is neutral and polar, with isoleucine, which is neutral and non-polar, at codon 462 of the NOTCH3 protein (p.Thr462Ile). This variant is not present in population databases (gnomAD no frequency). This variant has not been reported in the literature in individuals affected with NOTCH3-related conditions. ClinVar contains an entry for this variant (Variation ID: 3003818). Invitae Evidence Modeling of protein sequence and biophysical properties (such as structural, functional, and spatial information, amino acid conservation, physicochemical variation, residue mobility, and thermodynamic stability) indicates that this missense variant is not expected to disrupt NOTCH3 protein function with a negative predictive value of 95%. In summary, the available evidence is currently insufficient to determine the role of this variant in disease. Therefore, it has been classified as a Variant of Uncertain Significance.